The following is an entry in ClinVar:

NM_152564.5(VPS13B):c.1947C>G (p.Thr649=)

Gene: VPS13B (vacuolar protein sorting 13 homolog B; plus strand). Cytogenetic location: 8q22.2.
Variant type: single nucleotide variant.
Coding change: c.1947C>G on transcript NM_152564.5 (MANE Select); coding-DNA position 1947, C replaced by G.
Protein change: p.Thr649=; no amino-acid change (threonine 649 retained).
Molecular consequence: synonymous variant.
Genome position (GRCh38, 1-based): chr8:99,147,944, C>G. VCF-style: chr8-99147944-C-G. GRCh37 (hg19) VCF-style: chr8-100160172-C-G.
Other names: c.1947C>G, p.Thr649= (NM_015243.3, NM_017890.5).
Identifiers: ClinVar variation 2050242 (VCV002050242.5), dbSNP rs1810830228, ClinGen allele CA462423963.
Genomic context (GRCh38, chr8:99,147,944, plus strand): 5'-GGCTCTTCTGGAGGAATATATTCCTACTCGACATACAAGTGTTACTCTCCTCAAATGTAC[C>G]TGCACAATTTCCATGGCTGAATTCAACTTGCTGGACCATTTACTACCTGTCATTATGGGA-3'
Protein context (NP_689777.3, residues 639-659): RHTSVTLLKC[Thr649=]CTISMAEFNL

ClinVar aggregate classification (germline): Likely benign. Review status: criteria provided, multiple submitters, no conflicts (2 of 4 stars). 2 submissions from 2 submitters: Likely benign (2). Last evaluated 2026-05-27.

Conditions:
Cohen syndrome (COH1). Also called: Cutis verticis gyrata, retinitis pigmentosa, and sensorineural deafness; PEPPER SYNDROME. Identifiers: Orphanet 193, MedGen C0265223, MONDO:0008999, OMIM 216550.
VPS13B-related disorder. Also called: VPS13B-related condition.

Allele frequency attached by ClinVar (database versions not stated): TOPMed below 0.00001.

Submissions (2):

PreventionGenetics, part of Exact Sciences
Classification: Likely benign for VPS13B-related condition. Last evaluated: 2026-05-27. Review status: criteria provided, single submitter. Criteria: ACMG Guidelines, 2015. Collection method: clinical testing. Allele origin: germline.
Comment: This variant is classified as likely benign based on ACMG/AMP sequence variant interpretation guidelines (Richards et al. 2015 PMID: 25741868, with internal and published modifications).

Labcorp Genetics (formerly Invitae), Labcorp
Classification: Likely benign for Cohen syndrome. Last evaluated: 2025-11-22. Review status: criteria provided, single submitter. Criteria: Invitae Variant Classification Sherloc (09022015). Collection method: clinical testing. Allele origin: germline.